The following is an entry in ClinVar:

ClinVar aggregate classification (germline): Likely benign (1 of 4 stars; one submission).

Conditions:
Familial cancer of breast. Also called: hereditary breast carcinoma; Hereditary breast cancer; BREAST CANCER, FAMILIAL. Identifiers: Orphanet 227535, MedGen C0346153, MONDO:0016419, OMIM 114480. Disease mechanism: loss of function.

gnomAD v4.1: 1 of 1,613,438 alleles (0.000062%); highest among the groups gnomAD compares: Non-Finnish European, 0.000085%; no homozygotes.

Submission:

Myriad Genetics, Inc.
Classification: Likely benign for Familial cancer of breast. Last evaluated: 2024-08-28. Review status: criteria provided, single submitter. Criteria: Myriad Autosomal Dominant, Autosomal Recessive and X-Linked Classification Criteria (2023). Collection method: clinical testing. Allele origin: unknown.
Comment: This variant is considered likely benign. This variant is intronic and is not expected to impact mRNA splicing.

NM_032043.3(BRIP1):c.1629-7C>T

Gene: BRIP1 (BRCA1 interacting DNA helicase 1; minus strand). Cytogenetic location: 17q23.2.
Variant type: single nucleotide variant.
Coding change: c.1629-7C>T on transcript NM_032043.3 (MANE Select); 7 bases into the intron before coding-DNA position 1629, C replaced by T.
Molecular consequence: intron variant.
Genome position (GRCh38, 1-based): chr17:61,781,012, G>A on the plus strand (C>T on the coding strand, the complement: BRIP1 is on the minus strand). VCF-style: chr17-61781012-G-A. GRCh37 (hg19) VCF-style: chr17-59858373-G-A.
Identifiers: ClinVar variation 3378934 (VCV003378934.1).